The following is an entry in ClinVar:

NM_138281.3(DLX4):c.611T>A (p.Leu204His)

Gene: DLX4 (distal-less homeobox 4; plus strand). Cytogenetic location: 17q21.33.
Variant type: single nucleotide variant.
Coding change: c.611T>A on transcript NM_138281.3 (MANE Select); coding-DNA position 611, T replaced by A.
Protein change: p.Leu204His; replaces leucine 204 with histidine.
Molecular consequence: missense variant.
Genome position (GRCh38, 1-based): chr17:49,973,831, T>A. VCF-style: chr17-49973831-T-A. GRCh37 (hg19) VCF-style: chr17-48051195-T-A.
Other names: c.395T>A, p.Leu132His (NM_001934.4); short protein forms L204H, L132H.
Identifiers: ClinVar variation 2067077 (VCV002067077.1), dbSNP rs1905617208, ClinGen allele CA400168487.

ClinVar aggregate classification (germline): Uncertain significance (1 of 4 stars; one submission).

Submission:

Labcorp Genetics (formerly Invitae), Labcorp
Classification: Uncertain significance. Last evaluated: 2020-12-18. Review status: criteria provided, single submitter. Criteria: Invitae Variant Classification Sherloc (09022015). Collection method: clinical testing. Allele origin: germline.
Comment: This sequence change replaces leucine with histidine at codon 204 of the DLX4 protein (p.Leu204His). The leucine residue is highly conserved and there is a moderate physicochemical difference between leucine and histidine. This variant is not present in population databases (ExAC no frequency). This variant has not been reported in the literature in individuals with DLX4-related disease. Algorithms developed to predict the effect of missense changes on protein structure and function (SIFT, PolyPhen-2, Align-GVGD) all suggest that this variant is likely to be disruptive, but these predictions have not been confirmed by published functional studies and their clinical significance is uncertain. In summary, the available evidence is currently insufficient to determine the role of this variant in disease. Therefore, it has been classified as a Variant of Uncertain Significance.